The following is an entry in ClinVar:

NM_001492.6(GDF1):c.380G>A (p.Trp127Ter)

Genes: CERS1 (ceramide synthase 1; minus strand), GDF1 (growth differentiation factor 1; minus strand). Cytogenetic location: 19p13.11.
Variant type: single nucleotide variant.
Coding change: c.380G>A on transcript NM_001492.6 (MANE Select); coding-DNA position 380, G replaced by A.
Protein change: p.Trp127Ter; replaces tryptophan 127 with a stop codon.
Molecular consequence: nonsense. On other transcripts: 3 prime UTR variant (2).
Genome position (GRCh38, 1-based): chr19:18,869,336, C>T on the plus strand (G>A on the coding strand, the complement: GDF1 is on the minus strand). VCF-style: chr19-18869336-C-T. GRCh37 (hg19) VCF-style: chr19-18980145-C-T.
Other names: c.*1241G>A (NM_001387440.1); c.*649G>A (NM_021267.5); c.380G>A, p.Trp127Ter (NM_001387438.1); short protein forms W127*.
Identifiers: ClinVar variation 977094 (VCV000977094.1), dbSNP rs900625437, ClinGen allele CA306231865.

ClinVar aggregate classification (germline): Likely pathogenic (1 of 4 stars; one submission).

Conditions:
Congenital heart defects, multiple types, 6 (CHTD6). Identifiers: Orphanet 860, MedGen C3151221, MONDO:0013463, OMIM 613854.

Allele frequency attached by ClinVar (database versions not stated): TOPMed below 0.00001.
gnomAD v4.1: 2 of 1,529,306 alleles (0.00013%); highest among the groups gnomAD compares: East Asian, 0.005%; no homozygotes.

Submission:

Johns Hopkins Genomics, Johns Hopkins University
Classification: Likely pathogenic for Congenital heart defects, multiple types, 6. Last evaluated: 2020-06-12. Review status: criteria provided, single submitter. Criteria: ACMG Guidelines, 2015. Collection method: clinical testing. Allele origin: germline.
Comment: This GDF1 variant (rs900625437) is rare (<0.1%) in a large population dataset (gnomAD: 1/125430 total alleles; 0.0008%; no homozygotes) and has not been reported previously in the literature to our knowledge. This nonsense variant is predicted to lead to a premature stop codon in the last exon of the gene, likely escaping nonsense-mediated decay and resulting in a truncated protein product. The mature GDF1 protein, consisting of residues 254 to 372, is formed after translation by proteolytic cleavage; this stop codon proceeds the cleavage site and is predicted to prevent production of the mature protein. We consider this variant to be likely pathogenic.

Literature cited by the submitters: PubMed 17924340; PubMed 28991257.